The following is an entry in ClinVar:

ClinVar aggregate classification (germline): Conflicting classifications of pathogenicity. Review status: criteria provided, conflicting classifications (1 of 4 stars). 6 submissions from 6 submitters: Likely pathogenic (1); Uncertain significance (2); Likely benign (1). 2 of the submissions do not count toward it. Last evaluated 2026-01-26.

Conditions:
Cardiovascular phenotype. Identifiers: MedGen CN230736.
Brugada syndrome. Also called: Sudden unexplained nocturnal death syndrome; Sudden unexpected nocturnal death syndrome; Sudden Unexplained Death Syndrome; Sudden Unexplained Nocturnal Death Syndrome (SUNDS). Identifiers: Orphanet 130, MedGen C1142166, MONDO:0015263.
Brugada syndrome 1 (BRGDA1). Also called: RIGHT BUNDLE BRANCH BLOCK, ST SEGMENT ELEVATION, AND SUDDEN DEATH SYNDROME. Identifiers: Orphanet 130, MedGen C4551804, MONDO:0011001, OMIM 601144.

Allele frequency attached by ClinVar (database versions not stated): ExAC 0.00002; gnomAD exomes 0.00008 and 0.00028; gnomAD 0.00011; TOPMed 0.00011.
gnomAD v4.1: 406 of 1,602,146 alleles (0.025%); highest among the groups gnomAD compares: Non-Finnish European, 0.034%; no homozygotes.

Submissions (6):

Labcorp Genetics (formerly Invitae), Labcorp
Classification: Uncertain significance for Brugada syndrome. Last evaluated: 2026-01-26. Review status: criteria provided, single submitter. Criteria: Invitae Variant Classification Sherloc (09022015). Collection method: clinical testing. Allele origin: germline.
Comment: This sequence change replaces aspartic acid, which is acidic and polar, with tyrosine, which is neutral and polar, at codon 550 of the CACNA2D1 protein (p.Asp550Tyr). This variant is present in population databases (rs542692632, gnomAD 0.02%). This missense change has been observed in individual(s) with Brugada syndrome (PMID: 20817017, 38426305). ClinVar contains an entry for this variant (Variation ID: 518526). An algorithm developed to predict the effect of missense changes on protein structure and function (PolyPhen-2) suggests that this variant is likely to be disruptive. Experimental studies are conflicting or provide insufficient evidence to determine the effect of this variant on CACNA2D1 function (PMID: 25527503). In summary, the available evidence is currently insufficient to determine the role of this variant in disease. Therefore, it has been classified as a Variant of Uncertain Significance.

Women's Health and Genetics/Laboratory Corporation of America, LabCorp
Classification: Uncertain significance. Last evaluated: 2024-08-12. Review status: criteria provided, single submitter. Criteria: LabCorp Variant Classification Summary - May 2015. Collection method: clinical testing. Allele origin: germline.
Comment: Variant summary: CACNA2D1 c.1648G>T (p.Asp550Tyr) results in a non-conservative amino acid change in the encoded protein sequence. Four of five in-silico tools predict a damaging effect of the variant on protein function. The variant allele was found at a frequency of 7.6e-05 in 251138 control chromosomes. This frequency is not significantly higher than estimated for a pathogenic variant in CACNA2D1 causing Developmental And Epileptic Encephalopathy 110, allowing no conclusion about variant significance. c.1648G>T has been reported in the literature in individuals affected with cardiovascular phenotypes (e.g. Burashnikov_2010, Stroeks_2023, Dyssekilde_2022). These report(s) do not provide unequivocal conclusions about association of the variant with Developmental And Epileptic Encephalopathy 110. At least one publication reports experimental evidence evaluating an impact on protein function, however, does not allow convincing conclusions about the variant effect (Bourdin_2015). The following publications have been ascertained in the context of this evaluation (PMID: 25527503, 20817017, 35470684, 38426305, 37198425). ClinVar contains an entry for this variant (Variation ID: 518526). Based on the evidence outlined above, the variant was classified as uncertain significance.

Institute of Human Genetics, University of Leipzig Medical Center
Classification: Likely pathogenic for Brugada syndrome 1. Last evaluated: 2023-10-26. Review status: criteria provided, single submitter. Criteria: ACMG Guidelines, 2015. Collection method: clinical testing. Allele origin: unknown. Inheritance: Autosomal dominant inheritance. Affected: yes.
Comment: Criteria applied: PS3_MOD,PS4_MOD,PP2,PP3

Ambry Genetics
Classification: Likely benign for Cardiovascular phenotype. Last evaluated: 2023-05-02. Review status: criteria provided, single submitter. Criteria: Ambry Variant Classification Scheme 2023. Collection method: clinical testing. Allele origin: germline.

Genome Diagnostics Laboratory, University Medical Center Utrecht
Classification: Likely pathogenic. Review status: no assertion criteria provided. Collection method: clinical testing. Allele origin: germline. Affected: yes. Study: VKGL Data-share Consensus. Not counted in ClinVar's aggregate classification.

Joint Genome Diagnostic Labs from Nijmegen and Maastricht, Radboudumc and MUMC+
Classification: Likely pathogenic. Review status: no assertion criteria provided. Collection method: clinical testing. Allele origin: germline. Affected: yes. Study: VKGL Data-share Consensus. Not counted in ClinVar's aggregate classification.

Literature cited by the submitters: PubMed 20817017 (cited by 3 submitters); PubMed 38426305 (cited by Labcorp Genetics (formerly Invitae), Labcorp and Women's Health and Genetics/Laboratory Corporation of America, LabCorp); PubMed 25527503 (cited by 3 submitters); PubMed 35470684 (cited by Women's Health and Genetics/Laboratory Corporation of America, LabCorp); PubMed 37198425 (cited by Women's Health and Genetics/Laboratory Corporation of America, LabCorp).

NM_000722.4(CACNA2D1):c.1648G>T (p.Asp550Tyr)

Gene: CACNA2D1 (calcium voltage-gated channel auxiliary subunit alpha2delta 1; minus strand). Cytogenetic location: 7q21.11.
Variant type: single nucleotide variant.
Coding change: c.1648G>T on transcript NM_000722.4 (MANE Select); coding-DNA position 1648, G replaced by T.
Protein change: p.Asp550Tyr; replaces aspartic acid 550 with tyrosine.
Molecular consequence: missense variant.
Genome position (GRCh38, 1-based): chr7:81,997,193, C>A on the plus strand (G>T on the coding strand, the complement: CACNA2D1 is on the minus strand). VCF-style: chr7-81997193-C-A. GRCh37 (hg19) VCF-style: chr7-81626509-C-A.
Other names: c.1648G>T (LRG_437t1); c.1705G>T, p.Asp569Tyr (NM_001366867.1); short protein forms D550Y, D569Y.
Identifiers: ClinVar variation 518526 (VCV000518526.20), dbSNP rs542692632, ClinGen allele CA4317961.